The following is an entry in ClinVar:

ClinVar aggregate classification (germline): Uncertain significance. Review status: criteria provided, multiple submitters, no conflicts (2 of 4 stars). 4 submissions from 3 submitters: Uncertain significance (3). 1 of the submissions does not count toward it. Last evaluated 2025-11-03.

Conditions:
Inborn genetic diseases. Identifiers: MedGen C0950123, MeSH D030342.
Bethlem myopathy 1A. Also called: MYOPATHY, BENIGN CONGENITAL, WITH CONTRACTURES; Bethlem Muscular Dystrophy; Bethlem myopathy 1. Identifiers: Orphanet 610, MedGen CN029274, MONDO:0024530, OMIM 158810.

Allele frequency attached by ClinVar (database versions not stated): gnomAD 0.00001; TOPMed 0.00001; gnomAD exomes 0.00002.
gnomAD v4.1: 29 of 1,613,938 alleles (0.0018%); highest among the groups gnomAD compares: East Asian, 0.0067%; no homozygotes.

Submissions (4):

Ambry Genetics
Classification: Uncertain significance for Inborn genetic diseases. Last evaluated: 2025-11-03. Review status: criteria provided, single submitter. Criteria: Ambry Variant Classification Scheme 2023. Collection method: clinical testing. Allele origin: germline.

GeneDx
Classification: Uncertain significance. Last evaluated: 2023-02-08. Review status: criteria provided, single submitter. Criteria: GeneDx Variant Classification Process June 2021. Collection method: clinical testing. Allele origin: germline. Affected: yes.
Comment: In silico analysis supports that this missense variant has a deleterious effect on protein structure/function; Has not been previously reported as pathogenic or benign in association with neurodevelopmental disorders to our knowledge; This variant is associated with the following publications: (PMID: 31257224, 32579932)

Labcorp Genetics (formerly Invitae), Labcorp
Classification: Uncertain significance for Bethlem myopathy 1A. Last evaluated: 2022-10-07. Review status: criteria provided, single submitter. Criteria: Invitae Variant Classification Sherloc (09022015). Collection method: clinical testing. Allele origin: germline.
Comment: In summary, the available evidence is currently insufficient to determine the role of this variant in disease. Therefore, it has been classified as a Variant of Uncertain Significance. Advanced modeling of protein sequence and biophysical properties (such as structural, functional, and spatial information, amino acid conservation, physicochemical variation, residue mobility, and thermodynamic stability) has been performed at Invitae for this missense variant, however the output from this modeling did not meet the statistical confidence thresholds required to predict the impact of this variant on COL6A3 protein function. ClinVar contains an entry for this variant (Variation ID: 372995). This variant has not been reported in the literature in individuals affected with COL6A3-related conditions. This variant is present in population databases (no rsID available, gnomAD 0.006%). This sequence change replaces arginine, which is basic and polar, with glutamine, which is neutral and polar, at codon 1270 of the COL6A3 protein (p.Arg1270Gln).

GeneDx
Classification: Uncertain significance. Last evaluated: 2016-11-17. Review status: flagged submission. Criteria: GeneDx Variant Classification (06012015). Collection method: clinical testing. Allele origin: germline. Affected: yes. Not counted in ClinVar's aggregate classification.
Comment: The R1270Q variant in the COL6A3 gene has not been reported previously as a pathogenic variant, nor as a benign variant, to our knowledge. The R1270Q variant was not observed in approximately 6500 individuals of European and African American ancestry in the NHLBI Exome Sequencing Project, indicating it is not a common benign variant in these populations. The R1270Q variant is a semi-conservative amino acid substitution, which may impact secondary protein structure as these residues differ in some properties. This substitution occurs at a position that is conserved across species. In silico analysis predicts this variant is probably damaging to the protein structure/function. We interpret R1270Q as a variant of uncertain significance.
ClinVar note: Reason: This record appears to be redundant with a more recent record from the same submitter.
ClinVar note: Notes: SCV000491541 appears to be redundant with SCV003805506.

NM_004369.4(COL6A3):c.3809G>A (p.Arg1270Gln)

Gene: COL6A3 (collagen type VI alpha 3 chain; minus strand). Cytogenetic location: 2q37.3.
Variant type: single nucleotide variant.
Coding change: c.3809G>A on transcript NM_004369.4 (MANE Select); coding-DNA position 3809, G replaced by A.
Protein change: p.Arg1270Gln; replaces arginine 1270 with glutamine.
Molecular consequence: missense variant.
Genome position (GRCh38, 1-based): chr2:237,372,208, C>T on the plus strand (G>A on the coding strand, the complement: COL6A3 is on the minus strand). VCF-style: chr2-237372208-C-T. GRCh37 (hg19) VCF-style: chr2-238280851-C-T.
Other names: c.2588G>A, p.Arg863Gln (NM_057164.5); c.3191G>A, p.Arg1064Gln (NM_057165.5, NM_057167.4); c.1988G>A, p.Arg663Gln (NM_057166.5); short protein forms R1270Q, R663Q, R863Q, R1064Q.
Identifiers: ClinVar variation 372995 (VCV000372995.8), dbSNP rs1057518127, ClinGen allele CA16042390.